The following is an entry in ClinVar:

NM_000276.4(OCRL):c.1714-1G>A

Gene: OCRL (OCRL inositol polyphosphate-5-phosphatase; plus strand). Cytogenetic location: Xq26.1.
Variant type: single nucleotide variant.
Coding change: c.1714-1G>A on transcript NM_000276.4 (MANE Select); the canonical splice acceptor site of the intron before coding-DNA position 1714, G replaced by A.
Molecular consequence: splice acceptor variant.
Genome position (GRCh38, 1-based): chrX:129,575,896, G>A. VCF-style: chrX-129575896-G-A. GRCh37 (hg19) VCF-style: chrX-128709873-G-A.
Other names: c.1717-1G>A (NM_001318784.2); c.1714-1G>A (NM_001587.4).
Identifiers: ClinVar variation 194704 (VCV000194704.13), dbSNP rs794727182, ClinGen allele CA275039.

ClinVar aggregate classification (germline): Pathogenic. Review status: criteria provided, multiple submitters, no conflicts (2 of 4 stars). 2 submissions from 2 submitters: Pathogenic (2). Last evaluated 2018-06-19.

Conditions:
Lowe syndrome (OCRL). Also called: Oculocerebrorenal Syndrome; LOWE OCULOCEREBRORENAL SYNDROME; PHOSPHATIDYLINOSITOL 4,5-BISPHOSPHATE 5-PHOSPHATASE DEFICIENCY. Identifiers: Orphanet 534, MedGen C0028860, MONDO:0010645, OMIM 309000.

Submissions (2):

Labcorp Genetics (formerly Invitae), Labcorp
Classification: Pathogenic for Lowe syndrome. Last evaluated: 2018-06-19. Review status: criteria provided, single submitter. Criteria: Invitae Variant Classification Sherloc (09022015). Collection method: clinical testing. Allele origin: germline.
Comment: For these reasons, this variant has been classified as Pathogenic. Donor and acceptor splice site variants typically lead to a loss of protein function (PMID: 16199547), and loss-of-function variants in OCRL are known to be pathogenic (PMID: 21031565, 22381590). Algorithms developed to predict the effect of sequence changes on RNA splicing suggest that this variant may disrupt the consensus splice site, but this prediction has not been confirmed by published transcriptional studies. ClinVar contains an entry for this variant (Variation ID: 194704). This variant is not present in population databases (ExAC no frequency). This sequence change affects an acceptor splice site in intron 16 of the OCRL gene. It is expected to disrupt RNA splicing and likely results in an absent or disrupted protein product.

Eurofins Ntd Llc (ga)
Classification: Pathogenic. Last evaluated: 2015-04-13. Review status: criteria provided, single submitter. Criteria: EGL Classification Definitions 2015. Collection method: clinical testing. Allele origin: germline. Observed: 1 variant allele, 1 hemizygote.

Literature cited by the submitters: PubMed 16199547 (cited by Labcorp Genetics (formerly Invitae), Labcorp); PubMed 21031565 (cited by Labcorp Genetics (formerly Invitae), Labcorp); PubMed 22381590 (cited by Labcorp Genetics (formerly Invitae), Labcorp).